The following is an entry in ClinVar:

NM_021813.4(BACH2):c.1420C>G (p.Leu474Val)

Gene: BACH2 (BACH transcriptional regulator 2; minus strand). Cytogenetic location: 6q15.
Variant type: single nucleotide variant.
Coding change: c.1420C>G on transcript NM_021813.4 (MANE Select); coding-DNA position 1420, C replaced by G.
Protein change: p.Leu474Val; replaces leucine 474 with valine.
Molecular consequence: missense variant.
Genome position (GRCh38, 1-based): chr6:89,950,686, G>C on the plus strand (C>G on the coding strand, the complement: BACH2 is on the minus strand). VCF-style: chr6-89950686-G-C. GRCh37 (hg19) VCF-style: chr6-90660405-G-C.
Other names: c.1420C>G, p.Leu474Val (NM_001170794.2); short protein forms L474V.
Identifiers: ClinVar variation 2988773 (VCV002988773.3), dbSNP rs1774031322, ClinGen allele CA365070875.

ClinVar aggregate classification (germline): Uncertain significance (1 of 4 stars; one submission).

Allele frequency attached by ClinVar (database versions not stated): TOPMed below 0.00001; gnomAD 0.00001.
gnomAD v4.1: 2 of 1,614,022 alleles (0.00012%); highest among the groups gnomAD compares: South Asian, 0.0011%; no homozygotes.

Submission:

Labcorp Genetics (formerly Invitae), Labcorp
Classification: Uncertain significance. Last evaluated: 2023-02-22. Review status: criteria provided, single submitter. Criteria: Invitae Variant Classification Sherloc (09022015). Collection method: clinical testing. Allele origin: germline.
Comment: In summary, the available evidence is currently insufficient to determine the role of this variant in disease. Therefore, it has been classified as a Variant of Uncertain Significance. Advanced modeling of protein sequence and biophysical properties (such as structural, functional, and spatial information, amino acid conservation, physicochemical variation, residue mobility, and thermodynamic stability) has been performed at Invitae for this missense variant, however the output from this modeling did not meet the statistical confidence thresholds required to predict the impact of this variant on BACH2 protein function. This variant has not been reported in the literature in individuals affected with BACH2-related conditions. This variant is not present in population databases (gnomAD no frequency). This sequence change replaces leucine, which is neutral and non-polar, with valine, which is neutral and non-polar, at codon 474 of the BACH2 protein (p.Leu474Val).